The following is an entry in ClinVar:

NM_014363.6(SACS):c.8261dup (p.Ser2755fs)

Gene: SACS (sacsin molecular chaperone; minus strand). Cytogenetic location: 13q12.12.
Variant type: Duplication.
Coding change: c.8261dup on transcript NM_014363.6 (MANE Select); coding-DNA position 8261, one base duplicated (A; older notation c.8261dupA).
Protein change: p.Ser2755fs; shifts the reading frame from serine 2755.
Molecular consequence: frameshift variant.
Genome position (GRCh38, 1-based): chr13:23,335,615, T duplicated on the plus strand (A on the coding strand, the reverse complement: SACS is on the minus strand); the first of 2 consecutive T bases (chr13:23,335,615-23,335,616); duplicating either gives the same sequence. VCF-style (leftmost placement, unchanged base first): chr13-23335614-C-CT. GRCh37 (hg19) VCF-style: chr13-23909753-C-CT.
Other names: c.7820dup, p.Ser2608fs (NM_001278055.2); short protein forms S2608fs, S2755fs.
Identifiers: ClinVar variation 1451340 (VCV001451340.10), dbSNP rs2137593625, ClinGen allele CA2573149151.
Genomic context (GRCh38, chr13:23,335,614, plus strand): 5'-TCTGTCTCCATCTGTGATTTTGCCCTTTACTGAATACAGCACATTTAGAGCTCCAGTACT[C>CT]TTATCTATTTCACAAATAGAAATTTTTTCCATGTGATTAAGAAACATTAGAAGTTCTGCC-3'

ClinVar aggregate classification (germline): Pathogenic/Likely pathogenic. Review status: criteria provided, multiple submitters, no conflicts (2 of 4 stars). 3 submissions from 3 submitters: Pathogenic (2); Likely pathogenic (1). Last evaluated 2026-02-19.

Conditions:
Spastic paraplegia. Identifiers: MedGen C0037772, HP:0001258.
Charlevoix-Saguenay spastic ataxia (SACS). Also called: SPASTIC ATAXIA 6, AUTOSOMAL RECESSIVE; AUTOSOMAL RECESSIVE SPASTIC ATAXIA OF CHARLEVOIX-SAGUENAY; Spastic ataxia of Charlevoix-Saguenay. Identifiers: Orphanet 98, MedGen C1849140, MONDO:0010041, OMIM 270550.

Submissions (3):

Myriad Genetics, Inc.
Classification: Pathogenic for Charlevoix-Saguenay spastic ataxia. Last evaluated: 2026-02-19. Review status: criteria provided, single submitter. Criteria: Myriad Autosomal Dominant, Autosomal Recessive and X-Linked Classification Criteria (2023). Collection method: clinical testing. Allele origin: unknown.
Comment: NM_014363.4(SACS):c.8261dupA(S2755Efs*32) is a frameshift variant classified as pathogenic in the context of autosomal recessive spastic ataxia of Charlevoix-Saguenay. S2755Efs*32 has not been observed in cases with relevant disease. Relevant functional assessments of this variant are not available in the literature. S2755Efs*32 has not been observed in referenced population frequency databases. In summary, NM_014363.4(SACS):c.8261dupA(S2755Efs*32) is a frameshift variant in a gene where loss of function is a known mechanism of disease and is predicted to disrupt protein function. Please note: this variant was assessed in the context of healthy population screening.

Fulgent Genetics
Classification: Likely pathogenic for Charlevoix-Saguenay spastic ataxia. Last evaluated: 2024-03-21. Review status: criteria provided, single submitter. Criteria: ACMG Guidelines, 2015. Collection method: clinical testing. Allele origin: germline.

Labcorp Genetics (formerly Invitae), Labcorp
Classification: Pathogenic for Spastic paraplegia. Last evaluated: 2020-11-13. Review status: criteria provided, single submitter. Criteria: Invitae Variant Classification Sherloc (09022015). Collection method: clinical testing. Allele origin: germline.
Comment: For these reasons, this variant has been classified as Pathogenic. This variant disrupts the C-terminus of the SACS protein. Other variant(s) that disrupt this region (p.Tyr4538*) have been determined to be pathogenic (Invitae). This suggests that variants that disrupt this region of the protein are likely to be causative of disease. This variant has not been reported in the literature in individuals with SACS-related conditions. This variant is not present in population databases (ExAC no frequency). This sequence change creates a premature translational stop signal (p.Ser2755Glufs*32) in the SACS gene. While this is not anticipated to result in nonsense mediated decay, it is expected to disrupt the last 1825 amino acid(s) of the SACS protein.